The following is an entry in ClinVar:

ClinVar aggregate classification (germline): Conflicting classifications of pathogenicity. Review status: criteria provided, conflicting classifications (1 of 4 stars). 3 submissions from 3 submitters: Uncertain significance (2); Likely benign (1). Last evaluated 2023-11-21.

Conditions:
Hereditary cancer-predisposing syndrome. Also called: Tumor predisposition; Neoplastic Syndromes, Hereditary; Hereditary Cancer Syndrome; Hereditary neoplastic syndrome. Identifiers: Orphanet 140162, MedGen C0027672, MeSH D009386, MONDO:0015356.
Hereditary breast ovarian cancer syndrome. Also called: Hereditary breast and ovarian cancer syndrome (HBOC); Breast and ovarian cancer; BRCA1- and BRCA2-Associated Hereditary Breast and Ovarian Cancer; Hereditary breast and ovarian cancer; Hereditary breast and ovarian cancer syndrome; Hereditary breast and/or ovarian cancer syndrome. Identifiers: Orphanet 145, MedGen C0677776, MeSH D061325, MONDO:0003582. Disease mechanism: loss of function.

Submissions (3):

Ambry Genetics
Classification: Uncertain significance for Hereditary cancer-predisposing syndrome. Last evaluated: 2023-11-21. Review status: criteria provided, single submitter. Criteria: Ambry Variant Classification Scheme 2023. Collection method: clinical testing. Allele origin: germline.
Comment: The p.S795L variant (also known as c.2384C>T), located in coding exon 10 of the BRCA2 gene, results from a C to T substitution at nucleotide position 2384. The serine at codon 795 is replaced by leucine, an amino acid with dissimilar properties. This amino acid position is not well conserved in available vertebrate species. In addition, the in silico prediction for this alteration is inconclusive. Since supporting evidence is limited at this time, the clinical significance of this alteration remains unclear.

University of Washington Department of Laboratory Medicine, University of Washington
Classification: Likely benign for Hereditary cancer-predisposing syndrome. Last evaluated: 2023-03-23. Review status: criteria provided, single submitter. Criteria: Dines et al. (Genet Med. 2020). Collection method: curation. Allele origin: germline.
Comment: Missense variant in a coldspot region where missense variants are very unlikely to be pathogenic (PMID:31911673).

BRCA2 exon 11 coldspot. Reclassification based on statistical prior probability.

Labcorp Genetics (formerly Invitae), Labcorp
Classification: Uncertain significance for Hereditary breast ovarian cancer syndrome. Last evaluated: 2022-03-04. Review status: criteria provided, single submitter. Criteria: Invitae Variant Classification Sherloc (09022015). Collection method: clinical testing. Allele origin: germline.
Comment: This sequence change replaces serine, which is neutral and polar, with leucine, which is neutral and non-polar, at codon 795 of the BRCA2 protein (p.Ser795Leu). This variant is not present in population databases (gnomAD no frequency). This variant has not been reported in the literature in individuals affected with BRCA2-related conditions. Advanced modeling of protein sequence and biophysical properties (such as structural, functional, and spatial information, amino acid conservation, physicochemical variation, residue mobility, and thermodynamic stability) performed at Invitae indicates that this missense variant is not expected to disrupt BRCA2 protein function. In summary, the available evidence is currently insufficient to determine the role of this variant in disease. Therefore, it has been classified as a Variant of Uncertain Significance.

NM_000059.4(BRCA2):c.2384C>T (p.Ser795Leu)

Gene: BRCA2 (BRCA2 DNA repair associated; plus strand). Cytogenetic location: 13q13.1.
Variant type: single nucleotide variant.
Coding change: c.2384C>T on transcript NM_000059.4 (MANE Select); coding-DNA position 2384, C replaced by T.
Protein change: p.Ser795Leu; replaces serine 795 with leucine.
Molecular consequence: missense variant.
Genome position (GRCh38, 1-based): chr13:32,336,739, C>T. VCF-style: chr13-32336739-C-T. GRCh37 (hg19) VCF-style: chr13-32910876-C-T.
Other names: short protein forms S795L.
Identifiers: ClinVar variation 1381996 (VCV001381996.9), dbSNP rs2072456490, ClinGen allele CA387771868.